The following is an entry in ClinVar:

ClinVar aggregate classification (germline): Uncertain significance. Review status: criteria provided, multiple submitters, no conflicts (2 of 4 stars). 4 submissions from 4 submitters: Uncertain significance (4). Last evaluated 2025-06-01.

Conditions:
LONP1-related disorder. Also called: LONP1-related condition; LONP1-related disorders.
Inborn genetic diseases. Identifiers: MedGen C0950123, MeSH D030342.

Allele frequency attached by ClinVar (database versions not stated): ExAC 0.00002; TOPMed 0.00002; gnomAD 0.00003; gnomAD exomes 0.00005.

Submissions (4):

CeGaT Center for Human Genetics Tuebingen
Classification: Uncertain significance. Last evaluated: 2025-06-01. Review status: criteria provided, single submitter. Criteria: CeGaT Center For Human Genetics Tuebingen Variant Classification Criteria Version 2. Collection method: clinical testing. Allele origin: germline. Affected: yes. Observed: 1 variant allele.
Comment: LONP1: PM2

Labcorp Genetics (formerly Invitae), Labcorp
Classification: Uncertain significance. Last evaluated: 2025-04-14. Review status: criteria provided, single submitter. Criteria: Invitae Variant Classification Sherloc (09022015). Collection method: clinical testing. Allele origin: germline.
Comment: This sequence change replaces arginine, which is basic and polar, with tryptophan, which is neutral and slightly polar, at codon 422 of the LONP1 protein (p.Arg422Trp). This variant is present in population databases (rs749374457, gnomAD 0.003%). This variant has not been reported in the literature in individuals affected with LONP1-related conditions. ClinVar contains an entry for this variant (Variation ID: 2186354). Invitae Evidence Modeling of protein sequence and biophysical properties (such as structural, functional, and spatial information, amino acid conservation, physicochemical variation, residue mobility, and thermodynamic stability) has been performed for this missense variant. However, the output from this modeling did not meet the statistical confidence thresholds required to predict the impact of this variant on LONP1 protein function. In summary, the available evidence is currently insufficient to determine the role of this variant in disease. Therefore, it has been classified as a Variant of Uncertain Significance.

PreventionGenetics, part of Exact Sciences
Classification: Uncertain significance for LONP1-related condition. Last evaluated: 2025-02-08. Review status: criteria provided, single submitter. Criteria: ACMG Guidelines, 2015. Collection method: clinical testing. Allele origin: germline.
Comment: The LONP1 c.1264C>T variant is predicted to result in the amino acid substitution p.Arg422Trp. To our knowledge, this variant has not been reported in the literature. This variant is reported in 0.0033% of alleles in individuals of South Asian descent in gnomAD. At this time, the clinical significance of this variant is uncertain due to the absence of conclusive functional and genetic evidence.

Ambry Genetics
Classification: Uncertain significance for Inborn genetic diseases. Last evaluated: 2024-05-30. Review status: criteria provided, single submitter. Criteria: Ambry Variant Classification Scheme 2023. Collection method: clinical testing. Allele origin: germline.

NM_004793.4(LONP1):c.1264C>T (p.Arg422Trp)

Gene: LONP1 (lon peptidase 1, mitochondrial; minus strand). Cytogenetic location: 19p13.3.
Variant type: single nucleotide variant.
Coding change: c.1264C>T on transcript NM_004793.4 (MANE Select); coding-DNA position 1264, C replaced by T.
Protein change: p.Arg422Trp; replaces arginine 422 with tryptophan.
Molecular consequence: missense variant. On other transcripts: non-coding transcript variant (1).
Genome position (GRCh38, 1-based): chr19:5,705,875, G>A on the plus strand (C>T on the coding strand, the complement: LONP1 is on the minus strand). VCF-style: chr19-5705875-G-A. GRCh37 (hg19) VCF-style: chr19-5705886-G-A.
Other names: c.1264C>T (NM_004793.3, NM_004793.2); c.1072C>T, p.Arg358Trp (NM_001276479.2); c.676C>T, p.Arg226Trp (NM_001276480.1); short protein forms R226W, R358W, R422W.
Identifiers: ClinVar variation 2186354 (VCV002186354.14), dbSNP rs749374457, ClinGen allele CA9114764.
Genomic context (GRCh38, chr19:5,705,875, plus strand): 5'-GCTCCTCGTCCACAACATCCATGACGTGCTTGGGGACCACGAGCTCCTTCAGGCGCTCCC[G>A]GAACTTCTCCTCGATGGCATCCTTGTCGTCCTTCTCCAGGCCCAGCTCCTTCTTGATGAT-3'
Protein context (NP_004784.2, residues 412-432): DDKDAIEEKF[Arg422Trp]ERLKELVVPK